The following is an entry in ClinVar:

ClinVar aggregate classification (germline): Benign/Likely benign. Review status: criteria provided, multiple submitters, no conflicts (2 of 4 stars). 4 submissions from 4 submitters: Benign (1); Likely benign (3). Last evaluated 2025-01-06.

Conditions:
Familial acute necrotizing encephalopathy (IIAE3). Also called: ENCEPHALOPATHY, ACUTE, INFECTION-INDUCED, SUSCEPTIBILITY TO, 3; Susceptibility to Acute Necrotizing Encephalopathy 1. Identifiers: Orphanet 88619, MedGen C2675556, MONDO:0011953, OMIM 608033.

Allele frequency attached by ClinVar (database versions not stated): 1000 Genomes Project 0.00040; 1000 Genomes Project 30x 0.00047; gnomAD exomes 0.00051 and 0.00152; ExAC 0.00054; gnomAD 0.00068 and 0.00071; TOPMed 0.00070; ESP Exome Variant Server 0.00154.
gnomAD v4.1: 2,322 of 1,611,846 alleles (0.14%); highest among the groups gnomAD compares: Non-Finnish European, 0.19%; 3 homozygotes.

Submissions (4):

Labcorp Genetics (formerly Invitae), Labcorp
Classification: Benign for Familial acute necrotizing encephalopathy. Last evaluated: 2025-01-06. Review status: criteria provided, single submitter. Criteria: Invitae Variant Classification Sherloc (09022015). Collection method: clinical testing. Allele origin: germline.

Blueprint Genetics
Classification: Likely benign. Last evaluated: 2024-09-10. Review status: criteria provided, single submitter. Criteria: ACMG Guidelines, 2015. Collection method: clinical testing. Allele origin: germline.

CeGaT Center for Human Genetics Tuebingen
Classification: Likely benign. Last evaluated: 2023-01-01. Review status: criteria provided, single submitter. Criteria: CeGaT Center For Human Genetics Tuebingen Variant Classification Criteria Version 2. Collection method: clinical testing. Allele origin: germline. Affected: yes. Observed: 1 variant allele.
Comment: RANBP2: BP4, BP7

GeneDx
Classification: Likely benign. Last evaluated: 2017-12-21. Review status: criteria provided, single submitter. Criteria: GeneDx Variant Classification (06012015). Collection method: clinical testing. Allele origin: germline. Affected: yes.
Comment: This variant is considered likely benign or benign based on one or more of the following criteria: it is a conservative change, it occurs at a poorly conserved position in the protein, it is predicted to be benign by multiple in silico algorithms, and/or has population frequency not consistent with disease.

NM_006267.5(RANBP2):c.2520T>C (p.Arg840=)

Gene: RANBP2 (RAN binding protein 2; plus strand). Cytogenetic location: 2q13.
Variant type: single nucleotide variant.
Coding change: c.2520T>C on transcript NM_006267.5 (MANE Select); coding-DNA position 2520, T replaced by C.
Protein change: p.Arg840=; no amino-acid change (arginine 840 retained).
Molecular consequence: synonymous variant.
Genome position (GRCh38, 1-based): chr2:108,758,466, T>C. VCF-style: chr2-108758466-T-C. GRCh37 (hg19) VCF-style: chr2-109374922-T-C.
Identifiers: ClinVar variation 384587 (VCV000384587.37), dbSNP rs150539591, ClinGen allele CA1822729.